The following is an entry in ClinVar:

ClinVar aggregate classification (germline): Conflicting classifications of pathogenicity. Review status: criteria provided, conflicting classifications (1 of 4 stars). 2 submissions from 2 submitters: Uncertain significance (1); Likely benign (1). Last evaluated 2025-06-06.

Conditions:
Hereditary nonpolyposis colorectal neoplasms. Identifiers: MedGen C0009405, MeSH D003123.
Hereditary cancer-predisposing syndrome. Also called: Neoplastic Syndromes, Hereditary; Tumor predisposition; Hereditary Cancer Syndrome; Hereditary neoplastic syndrome. Identifiers: Orphanet 140162, MedGen C0027672, MeSH D009386, MONDO:0015356.

Allele frequency attached by ClinVar (database versions not stated): gnomAD exomes below 0.00001.
gnomAD v4.1: 2 of 1,614,158 alleles (0.00012%); highest among the groups gnomAD compares: South Asian, 0.0022%; no homozygotes.

Submissions (2):

Ambry Genetics
Classification: Uncertain significance for Hereditary cancer-predisposing syndrome. Last evaluated: 2025-06-06. Review status: criteria provided, single submitter. Criteria: Ambry Variant Classification Scheme 2023. Collection method: clinical testing. Allele origin: germline.
Comment: The p.G356S variant (also known as c.1066G>A), located in coding exon 4 of the MSH6 gene, results from a G to A substitution at nucleotide position 1066. The glycine at codon 356 is replaced by serine, an amino acid with similar properties. This amino acid position is not well conserved in available vertebrate species. In addition, this alteration is predicted to be tolerated by in silico analysis. Based on the available evidence, the clinical significance of this variant remains unclear.

Labcorp Genetics (formerly Invitae), Labcorp
Classification: Likely benign for Hereditary nonpolyposis colorectal neoplasms. Last evaluated: 2022-12-02. Review status: criteria provided, single submitter. Criteria: Invitae Variant Classification Sherloc (09022015). Collection method: clinical testing. Allele origin: germline.

NM_000179.3(MSH6):c.1066G>A (p.Gly356Ser)

Gene: MSH6 (mutS homolog 6; plus strand). Cytogenetic location: 2p16.3.
Variant type: single nucleotide variant.
Coding change: c.1066G>A on transcript NM_000179.3 (MANE Select); coding-DNA position 1066, G replaced by A.
Protein change: p.Gly356Ser; replaces glycine 356 with serine.
Molecular consequence: missense variant.
Genome position (GRCh38, 1-based): chr2:47,799,049, G>A. VCF-style: chr2-47799049-G-A. GRCh37 (hg19) VCF-style: chr2-48026188-G-A.
Other names: c.676G>A, p.Gly226Ser (NM_001281492.2); c.160G>A, p.Gly54Ser (NM_001281493.2, NM_001281494.2, NM_001406811.1 and 6 more transcripts); c.1162G>A, p.Gly388Ser (NM_001406795.1, NM_001406802.1); c.1066G>A, p.Gly356Ser (NM_001406796.1, NM_001406798.1, NM_001406800.1 and 4 more transcripts); c.769G>A, p.Gly257Ser (NM_001406797.1, NM_001406801.1, NM_001406805.1 and 10 more transcripts); c.541G>A, p.Gly181Ser (NM_001406799.1, NM_001406806.1, NM_001406807.1); c.988G>A, p.Gly330Ser (NM_001406804.1); c.1072G>A, p.Gly358Ser (NM_001406813.1); and 1 more; short protein forms G181S, G356S, G54S, G226S, G358S, G257S, G300S, G330S.
Identifiers: ClinVar variation 1781989 (VCV001781989.6), dbSNP rs1336935881, ClinGen allele CA346741643.